The following is an entry in ClinVar:

ClinVar aggregate classification (germline): Uncertain significance. Review status: criteria provided, multiple submitters, no conflicts (2 of 4 stars). 7 submissions from 7 submitters: Uncertain significance (7). Last evaluated 2025-12-08.

Conditions:
Inborn genetic diseases. Identifiers: MedGen C0950123, MeSH D030342.
VPS33B-related disorder. Also called: VPS33B-related condition.
Keratoderma-ichthyosis-deafness syndrome, autosomal recessive (KDIDAR). Identifiers: MedGen C5774200, MONDO:0859278, OMIM 620009.
Cholestasis, progressive familial intrahepatic, 12 (PFIC12). Also called: CHOLESTASIS, ISOLATED LOW-GGT. Identifiers: MedGen C5774311, MONDO:0031040, OMIM 620010.
Arthrogryposis, renal dysfunction, and cholestasis 1 (ARCS1). Identifiers: Orphanet 2697, MedGen C1859722, MONDO:0008822, OMIM 208085.

Allele frequency attached by ClinVar (database versions not stated): gnomAD exomes 0.00002; gnomAD 0.00012 and 0.00013; TOPMed 0.00013.
gnomAD v4.1: 42 of 1,613,518 alleles (0.0026%); highest among the groups gnomAD compares: African/African-American, 0.04%; no homozygotes.

Submissions (7):

Ambry Genetics
Classification: Uncertain significance for Inborn genetic diseases. Last evaluated: 2025-12-08. Review status: criteria provided, single submitter. Criteria: Ambry Variant Classification Scheme 2023. Collection method: clinical testing. Allele origin: germline.

Mayo Clinic Laboratories, Mayo Clinic
Classification: Uncertain significance. Last evaluated: 2025-11-06. Review status: criteria provided, single submitter. Criteria: ACMG Guidelines, 2015. Collection method: clinical testing. Allele origin: germline. Observed: 1 variant allele.

PreventionGenetics, part of Exact Sciences
Classification: Uncertain significance for VPS33B-related condition. Last evaluated: 2025-10-15. Review status: criteria provided, single submitter. Criteria: ACMG Guidelines, 2015. Collection method: clinical testing. Allele origin: germline.
Comment: The VPS33B c.637G>A variant is predicted to result in the amino acid substitution p.Glu213Lys. To our knowledge, this variant has not been reported in the literature. This variant is reported in 0.028% of alleles in individuals of African descent in gnomAD. At this time, the clinical significance of this variant is uncertain due to the absence of conclusive functional and genetic evidence.

Labcorp Genetics (formerly Invitae), Labcorp
Classification: Uncertain significance. Last evaluated: 2025-06-12. Review status: criteria provided, single submitter. Criteria: Invitae Variant Classification Sherloc (09022015). Collection method: clinical testing. Allele origin: germline.
Comment: This sequence change replaces glutamic acid, which is acidic and polar, with lysine, which is basic and polar, at codon 213 of the VPS33B protein (p.Glu213Lys). This variant is present in population databases (no rsID available, gnomAD 0.03%). This variant has not been reported in the literature in individuals affected with VPS33B-related conditions. ClinVar contains an entry for this variant (Variation ID: 596029). Invitae Evidence Modeling of protein sequence and biophysical properties (such as structural, functional, and spatial information, amino acid conservation, physicochemical variation, residue mobility, and thermodynamic stability) indicates that this missense variant is not expected to disrupt VPS33B protein function with a negative predictive value of 80%. In summary, the available evidence is currently insufficient to determine the role of this variant in disease. Therefore, it has been classified as a Variant of Uncertain Significance.

Fulgent Genetics
Classification: Uncertain significance for Arthrogryposis, renal dysfunction, and cholestasis 1; Keratoderma-ichthyosis-deafness syndrome, autosomal recessive; Cholestasis, progressive familial intrahepatic, 12. Last evaluated: 2024-04-29. Review status: criteria provided, single submitter. Criteria: ACMG Guidelines, 2015. Collection method: clinical testing. Allele origin: germline.

GeneDx
Classification: Uncertain significance. Last evaluated: 2022-02-19. Review status: criteria provided, single submitter. Criteria: GeneDx Variant Classification Process June 2021. Collection method: clinical testing. Allele origin: germline. Affected: yes.
Comment: In silico analysis supports that this missense variant does not alter protein structure/function; Has not been previously published as pathogenic or benign to our knowledge

Eurofins Ntd Llc (ga)
Classification: Uncertain significance. Last evaluated: 2018-02-06. Review status: criteria provided, single submitter. Criteria: EGL Classification Definitions 2015. Collection method: clinical testing. Allele origin: germline. Observed: 1 variant allele, 1 heterozygote.

NM_018668.5(VPS33B):c.637G>A (p.Glu213Lys)

Gene: VPS33B (VPS33B late endosome and lysosome associated; minus strand). Cytogenetic location: 15q26.1.
Variant type: single nucleotide variant.
Coding change: c.637G>A on transcript NM_018668.5 (MANE Select); coding-DNA position 637, G replaced by A.
Protein change: p.Glu213Lys; replaces glutamic acid 213 with lysine.
Molecular consequence: missense variant.
Genome position (GRCh38, 1-based): chr15:91,007,013, C>T on the plus strand (G>A on the coding strand, the complement: VPS33B is on the minus strand). VCF-style: chr15-91007013-C-T. GRCh37 (hg19) VCF-style: chr15-91550243-C-T.
Other names: p.Glu213Lys; c.556G>A, p.Glu186Lys (NM_001289148.1); c.364G>A, p.Glu122Lys (NM_001289149.1); c.637G>A (NM_018668.4); short protein forms E213K, E122K, E186K.
Identifiers: ClinVar variation 596029 (VCV000596029.15), dbSNP rs951699405, ClinGen allele CA274753037.